The following is an entry in ClinVar:

ClinVar aggregate classification (germline): Uncertain significance. Review status: criteria provided, multiple submitters, no conflicts (2 of 4 stars). 3 submissions from 3 submitters: Uncertain significance (3). Last evaluated 2025-11-06.

Conditions:
Hereditary cancer-predisposing syndrome. Also called: Tumor predisposition; Hereditary Cancer Syndrome; Neoplastic Syndromes, Hereditary; Hereditary neoplastic syndrome. Identifiers: Orphanet 140162, MedGen C0027672, MeSH D009386, MONDO:0015356.
Multiple endocrine neoplasia, type 2 (MEN2). Identifiers: Orphanet 653, MedGen C4048306, MONDO:0019003. Disease mechanism: gain of function.

Submissions (3):

Ambry Genetics
Classification: Uncertain significance for Hereditary cancer-predisposing syndrome. Last evaluated: 2025-11-06. Review status: criteria provided, single submitter. Criteria: Ambry Variant Classification Scheme 2023. Collection method: clinical testing. Allele origin: germline.
Comment: The p.V347L variant (also known as c.1039G>C), located in coding exon 5 of the RET gene, results from a G to C substitution at nucleotide position 1039. The valine at codon 347 is replaced by leucine, an amino acid with highly similar properties. This amino acid position is well conserved in available vertebrate species. In addition, the in silico prediction for this alteration is inconclusive. Based on the available evidence, the clinical significance of this variant remains unclear.

Color Diagnostics, LLC DBA Color Health
Classification: Uncertain significance for Multiple endocrine neoplasia, type 2. Last evaluated: 2025-07-14. Review status: criteria provided, single submitter. Criteria: ACMG Guidelines, 2015. Collection method: clinical testing. Allele origin: germline.
Comment: This missense variant replaces valine with leucine at codon 347 of the RET protein. Computational prediction suggests that this variant may not impact protein structure and function. To our knowledge, functional studies have not been reported for this variant. This variant has not been reported in individuals affected with RET-related disorders in the literature. This variant has not been identified in the general population by the Genome Aggregation Database (gnomAD). The available evidence is insufficient to determine the role of this variant in disease conclusively. Therefore, this variant is classified as a Variant of Uncertain Significance.

GeneDx
Classification: Uncertain significance. Last evaluated: 2023-01-03. Review status: criteria provided, single submitter. Criteria: GeneDx Variant Classification Process June 2021. Collection method: clinical testing. Allele origin: germline. Affected: yes.
Comment: Not observed at significant frequency in large population cohorts (gnomAD); In silico analysis supports that this missense variant does not alter protein structure/function; Has not been previously published as pathogenic or benign to our knowledge; This variant is associated with the following publications: (PMID: 14633923)

NM_020975.6(RET):c.1039G>C (p.Val347Leu)

Gene: RET (ret proto-oncogene; plus strand). Cytogenetic location: 10q11.21.
Variant type: single nucleotide variant.
Coding change: c.1039G>C on transcript NM_020975.6 (MANE Select); coding-DNA position 1039, G replaced by C.
Protein change: p.Val347Leu; replaces valine 347 with leucine.
Molecular consequence: missense variant.
Genome position (GRCh38, 1-based): chr10:43,106,547, G>C. VCF-style: chr10-43106547-G-C. GRCh37 (hg19) VCF-style: chr10-43601995-G-C.
Other names: c.1039G>C, p.Val347Leu (NM_000323.2, NM_001406743.1, NM_001406744.1 and 6 more transcripts); c.277G>C, p.Val93Leu (NM_001355216.2); c.910G>C, p.Val304Leu (NM_001406761.1, NM_001406762.1, NM_001406764.1 and 1 more transcripts); c.751G>C, p.Val251Leu (NM_001406766.1, NM_001406767.1, NM_001406770.1); short protein forms V347L, V93L, V304L, V251L.
Identifiers: ClinVar variation 822071 (VCV000822071.9), dbSNP rs1467660660, ClinGen allele CA376546466.